The following is an entry in ClinVar:

ClinVar aggregate classification (germline): Uncertain significance (1 of 4 stars; one submission).

Submission:

Labcorp Genetics (formerly Invitae), Labcorp
Classification: Uncertain significance. Last evaluated: 2025-02-12. Review status: criteria provided, single submitter. Criteria: Invitae Variant Classification Sherloc (09022015). Collection method: clinical testing. Allele origin: germline.
Comment: This sequence change replaces phenylalanine, which is neutral and non-polar, with leucine, which is neutral and non-polar, at codon 1032 of the MSH3 protein (p.Phe1032Leu). This variant is not present in population databases (gnomAD no frequency). This variant has not been reported in the literature in individuals affected with MSH3-related conditions. ClinVar contains an entry for this variant (Variation ID: 2737783). An algorithm developed to predict the effect of missense changes on protein structure and function (PolyPhen-2) suggests that this variant is likely to be disruptive. In summary, the available evidence is currently insufficient to determine the role of this variant in disease. Therefore, it has been classified as a Variant of Uncertain Significance.

NM_002439.5(MSH3):c.3096C>A (p.Phe1032Leu)

Gene: MSH3 (mutS homolog 3; plus strand). Cytogenetic location: 5q14.1.
Variant type: single nucleotide variant.
Coding change: c.3096C>A on transcript NM_002439.5 (MANE Select); coding-DNA position 3096, C replaced by A.
Protein change: p.Phe1032Leu; replaces phenylalanine 1032 with leucine.
Molecular consequence: missense variant.
Genome position (GRCh38, 1-based): chr5:80,864,908, C>A. VCF-style: chr5-80864908-C-A. GRCh37 (hg19) VCF-style: chr5-80160727-C-A.
Other names: short protein forms F1032L.
Identifiers: ClinVar variation 2737783 (VCV002737783.3), dbSNP rs959058934, ClinGen allele CA360346389.